The following is an entry in ClinVar:

NM_015346.4(ZFYVE26):c.4277G>T (p.Trp1426Leu)

Gene: ZFYVE26 (zinc finger FYVE-type containing 26; minus strand). Cytogenetic location: 14q24.1.
Variant type: single nucleotide variant.
Coding change: c.4277G>T on transcript NM_015346.4 (MANE Select); coding-DNA position 4277, G replaced by T.
Protein change: p.Trp1426Leu; replaces tryptophan 1426 with leucine.
Molecular consequence: missense variant.
Genome position (GRCh38, 1-based): chr14:67,782,875, C>A on the plus strand (G>T on the coding strand, the complement: ZFYVE26 is on the minus strand). VCF-style: chr14-67782875-C-A. GRCh37 (hg19) VCF-style: chr14-68249592-C-A.
Other names: short protein forms W1426L.
Identifiers: ClinVar variation 2068244 (VCV002068244.3), dbSNP rs763295766, ClinGen allele CA7239810.

ClinVar aggregate classification (germline): Uncertain significance. Review status: criteria provided, multiple submitters, no conflicts (2 of 4 stars). 2 submissions from 2 submitters: Uncertain significance (2). Last evaluated 2025-04-19.

Conditions:
Inborn genetic diseases. Identifiers: MedGen C0950123, MeSH D030342.
Spastic paraplegia. Identifiers: MedGen C0037772, HP:0001258.

Allele frequency attached by ClinVar (database versions not stated): gnomAD exomes 0.00002; TOPMed 0.00006; gnomAD 0.00004; ExAC 0.00013.
gnomAD v4.1: 35 of 1,614,100 alleles (0.0022%); highest among the groups gnomAD compares: East Asian, 0.071%; no homozygotes.

Submissions (2):

Ambry Genetics
Classification: Uncertain significance for Inborn genetic diseases. Last evaluated: 2025-04-19. Review status: criteria provided, single submitter. Criteria: Ambry Variant Classification Scheme 2023. Collection method: clinical testing. Allele origin: germline.

Labcorp Genetics (formerly Invitae), Labcorp
Classification: Uncertain significance for Spastic paraplegia. Last evaluated: 2022-06-26. Review status: criteria provided, single submitter. Criteria: Invitae Variant Classification Sherloc (09022015). Collection method: clinical testing. Allele origin: germline.
Comment: This sequence change replaces tryptophan, which is neutral and slightly polar, with leucine, which is neutral and non-polar, at codon 1426 of the ZFYVE26 protein (p.Trp1426Leu). This variant is present in population databases (rs763295766, gnomAD 0.1%). This variant has not been reported in the literature in individuals affected with ZFYVE26-related conditions. Algorithms developed to predict the effect of missense changes on protein structure and function are either unavailable or do not agree on the potential impact of this missense change (SIFT: "Deleterious"; PolyPhen-2: "Probably Damaging"; Align-GVGD: "Class C0"). In summary, the available evidence is currently insufficient to determine the role of this variant in disease. Therefore, it has been classified as a Variant of Uncertain Significance.